The following is an entry in ClinVar:

NM_019616.4(F7):c.616G>C (p.Val206Leu)

Gene: F7 (coagulation factor VII; plus strand). Cytogenetic location: 13q34.
Variant type: single nucleotide variant.
Coding change: c.616G>C on transcript NM_019616.4 (MANE Select); coding-DNA position 616, G replaced by C.
Protein change: p.Val206Leu; replaces valine 206 with leucine.
Molecular consequence: missense variant. On other transcripts: non-coding transcript variant (1).
Genome position (GRCh38, 1-based): chr13:113,117,473, G>C. VCF-style: chr13-113117473-G-C. GRCh37 (hg19) VCF-style: chr13-113771787-G-C.
Other names: c.682G>C, p.Val228Leu (NM_000131.5); c.430G>C, p.Val144Leu (NM_001267554.2); short protein forms V144L, V206L, V228L.
Identifiers: ClinVar variation 2633010 (VCV002633010.1), dbSNP rs1369487347, ClinGen allele CA388785189.

ClinVar aggregate classification (germline): Uncertain significance (1 of 4 stars; one submission).

Conditions:
F7-related disorder. Also called: F7-related condition.

Allele frequency attached by ClinVar (database versions not stated): gnomAD exomes below 0.00001; TOPMed 0.00001.
gnomAD v4.1: 1 of 1,614,090 alleles (0.000062%); highest among the groups gnomAD compares: East Asian, 0.0022%; no homozygotes.

Submission:

PreventionGenetics, part of Exact Sciences
Classification: Uncertain significance for F7-related condition. Last evaluated: 2023-05-11. Review status: criteria provided, single submitter. Criteria: ACMG Guidelines, 2015. Collection method: clinical testing. Allele origin: germline.
Comment: The F7 c.682G>C variant is predicted to result in the amino acid substitution p.Val228Leu. To our knowledge, this variant has not been reported in the literature or in a large population database, indicating this variant is rare. At this time, the clinical significance of this variant is uncertain due to the absence of conclusive functional and genetic evidence.